The following is an entry in ClinVar:

ClinVar aggregate classification (germline): Uncertain significance (1 of 4 stars; one submission).

Conditions:
Cardiovascular phenotype. Identifiers: MedGen CN230736.

Submission:

Ambry Genetics
Classification: Uncertain significance for Cardiovascular phenotype. Last evaluated: 2025-01-13. Review status: criteria provided, single submitter. Criteria: Ambry Variant Classification Scheme 2023. Collection method: clinical testing. Allele origin: germline.
Comment: The p.S41I variant (also known as c.122G>T), located in coding exon 2 of the SPRED1 gene, results from a G to T substitution at nucleotide position 122. The serine at codon 41 is replaced by isoleucine, an amino acid with dissimilar properties. This amino acid position is conserved. In addition, the in silico prediction for this alteration is inconclusive. Based on the available evidence, the clinical significance of this variant remains unclear.

NM_152594.3(SPRED1):c.122G>T (p.Ser41Ile)

Gene: SPRED1 (sprouty related EVH1 domain containing 1; plus strand). Cytogenetic location: 15q14.
Variant type: single nucleotide variant.
Coding change: c.122G>T on transcript NM_152594.3 (MANE Select); coding-DNA position 122, G replaced by T.
Protein change: p.Ser41Ile; replaces serine 41 with isoleucine.
Molecular consequence: missense variant.
Genome position (GRCh38, 1-based): chr15:38,299,462, G>T. VCF-style: chr15-38299462-G-T. GRCh37 (hg19) VCF-style: chr15-38591663-G-T.
Other names: short protein forms S41I.
Identifiers: ClinVar variation 3800904 (VCV003800904.1).